The following is an entry in ClinVar:

NM_005422.4(TECTA):c.1264C>T (p.Gln422Ter)

Genes: TBCEL-TECTA (TBCEL-TECTA readthrough; plus strand), TECTA (tectorin alpha; plus strand). Cytogenetic location: 11q23.3.
Variant type: single nucleotide variant.
Coding change: c.1264C>T on transcript NM_005422.4 (MANE Select); coding-DNA position 1264, C replaced by T.
Protein change: p.Gln422Ter; replaces glutamine 422 with a stop codon.
Molecular consequence: nonsense.
Genome position (GRCh38, 1-based): chr11:121,125,362, C>T. VCF-style: chr11-121125362-C-T. GRCh37 (hg19) VCF-style: chr11-120996071-C-T.
Other names: c.2221C>T, p.Gln741Ter (NM_001378761.1); short protein forms Q422*, Q741*.
Identifiers: ClinVar variation 5007801 (VCV005007801.2).

ClinVar aggregate classification (germline): Likely pathogenic (1 of 4 stars; one submission).

Conditions:
Autosomal recessive nonsyndromic hearing loss 21. Identifiers: Orphanet 90636, MedGen C1863655, MONDO:0011351, OMIM 603629.

Submission:

Juno Genomics, Hangzhou Juno Genomics, Inc
Classification: Likely pathogenic for Autosomal recessive nonsyndromic hearing loss 21. Review status: criteria provided, single submitter. Criteria: ACMG Guidelines, 2015. Collection method: clinical testing. Allele origin: germline.
Comment: Null variant in a gene where loss of function (LOF) is a known mechanism of disease.;Absent from controls (or at extremely low frequency if recessive) in Genome Aggregation Database.